The following is an entry in ClinVar:

NM_006372.5(SYNCRIP):c.858_859del (p.Gly287fs)

Gene: SYNCRIP (synaptotagmin binding cytoplasmic RNA interacting protein; minus strand). Cytogenetic location: 6q14.3.
Variant type: Microsatellite.
Coding change: c.858_859del on transcript NM_006372.5 (MANE Select); coding-DNA positions 858 to 859, 2 bases deleted (AG; older notation c.858_859delAG).
Protein change: p.Gly287fs; shifts the reading frame from glycine 287.
Molecular consequence: frameshift variant.
Genome position (GRCh38, 1-based): chr6:85,622,631-85,622,632, CT deleted on the plus strand (AG on the coding strand, the reverse complement: SYNCRIP is on the minus strand); deleting any 2 consecutive bases within chr6:85,622,631-85,622,634 gives the same sequence; the c. name uses the placement nearest the transcript's 3' end. VCF-style (leftmost placement, unchanged base first): chr6-85622630-CCT-C. GRCh37 (hg19) VCF-style: chr6-86332348-CCT-C.
Other names: c.564_565del, p.Gly189fs (NM_001159673.2, NM_001410938.1); c.858_859del, p.Gly287fs (NM_001159674.2, NM_001159677.2); c.856_857AG[1], p.Gly287Leufs (NM_001159675.2, NM_001159676.2); c.402_403del, p.Gly135fs (NM_001253771.2); short protein forms G135fs, G189fs, G287fs.
Identifiers: ClinVar variation 987161 (VCV000987161.4), dbSNP rs1806539260, ClinGen allele CA645567246.

ClinVar aggregate classification (germline): Pathogenic/Likely pathogenic. Review status: criteria provided, multiple submitters, no conflicts (2 of 4 stars). 2 submissions from 2 submitters: Pathogenic (1); Likely pathogenic (1). Last evaluated 2026-01-23.

Submissions (2):

Dasa
Classification: Pathogenic. Last evaluated: 2026-01-23. Review status: criteria provided, single submitter. Criteria: DASA Assertion Criteria. Collection method: clinical testing. Allele origin: germline.
Comment: NM_006372.5(SYNCRIP):c.858_859del (p.Gly287Leufs*5) is a frameshift variant in SYNCRIP predicted to alter the reading frame and introduce a premature termination codon and is predicted to result in an absent or altered protein product. Loss of function is an established disease mechanism for SYNCRIP (PMID: 34157790; PMID: 33874999). This variant has been recurrently observed in individuals with SYNCRIP-related disorders (PMID: 34157790; PMID: 30504930; PMID: 27479843). Also, this variant is rare in population databases. Based on the currently available evidence, this variant is classified as pathogenic.

Institute of Medical Genetics and Applied Genomics, University Hospital Tübingen
Classification: Likely pathogenic. Last evaluated: 2020-10-23. Review status: criteria provided, single submitter. Criteria: ACMG Guidelines, 2015. Collection method: clinical testing. Allele origin: germline. Inheritance: Unknown mechanism. Affected: yes.

Literature cited by the submitters: PubMed 34157790 (cited by Dasa); PubMed 30504930 (cited by Dasa); PubMed 27479843 (cited by Dasa); PubMed 33874999 (cited by Dasa).